The following is an entry in ClinVar:

ClinVar aggregate classification (germline): Uncertain significance (1 of 4 stars; one submission).

Conditions:
Glycogen storage disease IXd (GSD9D). Also called: Muscle Phosphorylase Kinase Deficiency; GSD IXd. Identifiers: Orphanet 715, MedGen C1845151, MONDO:0010362, OMIM 300559.

Allele frequency attached by ClinVar (database versions not stated): gnomAD exomes below 0.00001; ExAC 0.00001.

Submission:

Labcorp Genetics (formerly Invitae), Labcorp
Classification: Uncertain significance for Glycogen storage disease IXd. Last evaluated: 2022-08-31. Review status: criteria provided, single submitter. Criteria: Invitae Variant Classification Sherloc (09022015). Collection method: clinical testing. Allele origin: germline.
Comment: This sequence change replaces methionine, which is neutral and non-polar, with isoleucine, which is neutral and non-polar, at codon 1030 of the PHKA1 protein (p.Met1030Ile). This variant is present in population databases (rs782204354, gnomAD 0.001%). This variant has not been reported in the literature in individuals affected with PHKA1-related conditions. Algorithms developed to predict the effect of missense changes on protein structure and function output the following: SIFT: "Tolerated"; PolyPhen-2: "Benign"; Align-GVGD: "Class C0". The isoleucine amino acid residue is found in multiple mammalian species, which suggests that this missense change does not adversely affect protein function. In summary, the available evidence is currently insufficient to determine the role of this variant in disease. Therefore, it has been classified as a Variant of Uncertain Significance.

NM_002637.4(PHKA1):c.3090G>T (p.Met1030Ile)

Gene: PHKA1 (phosphorylase kinase regulatory subunit alpha 1; minus strand). Cytogenetic location: Xq13.1.
Variant type: single nucleotide variant.
Coding change: c.3090G>T on transcript NM_002637.4 (MANE Select); coding-DNA position 3090, G replaced by T.
Protein change: p.Met1030Ile; replaces methionine 1030 with isoleucine.
Molecular consequence: missense variant.
Genome position (GRCh38, 1-based): chrX:72,593,257, C>A on the plus strand (G>T on the coding strand, the complement: PHKA1 is on the minus strand). VCF-style: chrX-72593257-C-A. GRCh37 (hg19) VCF-style: chrX-71813107-C-A.
Other names: c.3051G>T, p.Met1017Ile (NM_001122670.2); c.2874G>T, p.Met958Ile (NM_001172436.2); short protein forms M1017I, M1030I, M958I.
Identifiers: ClinVar variation 2418867 (VCV002418867.7), dbSNP rs782204354, ClinGen allele CA10450523.
Genomic context (GRCh38, chrX:72,593,257, plus strand): 5'-ACGACTATCTTTAGATGACTGCTGATCATATGCACTAGGAAAGGACCCACTACTTGGAGT[C>A]ATAGAGGTTCCAGGTGACTTGGAAGAGGAGAGGAAAGAACATAAATCAAAAGTTATCTCT-3'
Protein context (NP_002628.2, residues 1020-1040): SAESQSPGTS[Met1030Ile]TPSSGSFPSA